The following is an entry in ClinVar:

ClinVar aggregate classification (germline): Likely pathogenic (1 of 4 stars; one submission).

Conditions:
Congenital hyperammonemia, type I. Also called: Carbamoyl phosphate synthetase 1 deficiency; Hyperammonemia due to carbamoyl phosphate synthetase 1 deficiency; CPS 1 deficiency; Carbamyl phosphate synthetase (CPS) deficiency; CPS I DEFICIENCY; Carbamoyl-phosphate synthase I deficiency. Identifiers: Orphanet 147, MedGen C4082171, MONDO:0009376, OMIM 237300.

Submission:

Myriad Genetics, Inc.
Classification: Likely pathogenic for Congenital hyperammonemia, type I. Last evaluated: 2022-01-24. Review status: criteria provided, single submitter. Criteria: Myriad Women's Health Autosomal Recessive and X-Linked Classification Criteria (2021). Collection method: clinical testing. Allele origin: unknown.
Comment: NM_001875.4(CPS1):c.1751_1752delTG(V584Dfs*51) is expected to be pathogenic in the context of carbamoylphosphate synthetase I deficiency. This variant is predicted to lead to an abnormal or absent protein product due to the creation of a premature termination codon in CPS1, a gene where loss-of-function variants are known to be pathogenic. Please note: this variant was assessed in the context of healthy population screening.

NM_001875.5(CPS1):c.1751_1752del (p.Val584fs)

Gene: CPS1 (carbamoyl-phosphate synthase 1; plus strand). Cytogenetic location: 2q34.
Variant type: Deletion.
Coding change: c.1751_1752del on transcript NM_001875.5 (MANE Select); coding-DNA positions 1751 to 1752, 2 bases deleted (TG; older notation c.1751_1752delTG).
Protein change: p.Val584fs; shifts the reading frame from valine 584.
Molecular consequence: frameshift variant. On other transcripts: non-coding transcript variant (2).
Genome position (GRCh38, 1-based): chr2:210,602,245-210,602,246, TG deleted; deleting any 2 consecutive bases within chr2:210,602,244-210,602,246 gives the same sequence; the c. name uses the placement nearest the transcript's 3' end. VCF-style (leftmost placement, unchanged base first): chr2-210602243-AGT-A. GRCh37 (hg19) VCF-style: chr2-211466967-AGT-A.
Other names: c.1751_1752del, p.Val584fs (NM_001122633.3, NM_001369257.1); c.1784_1785del, p.Val595fs (NM_001369256.1); short protein forms V584fs, V595fs.
Identifiers: ClinVar variation 1724074 (VCV001724074.2), dbSNP rs2469155697, ClinGen allele CA2580065561.
Genomic context (GRCh38, chr2:210,602,243, plus strand): 5'-TCCTTGTTCTTGTTGACAGATTGAGGATGCACTGAAGGCAGCAGACACCATTGGCTACCC[AGT>A]GATGATCCGTTCCGCCTATGCACTGGGTGGGTTAGGCTCAGGCATCTGTCCCAACAGAGA-3'